The following is an entry in ClinVar:

ClinVar aggregate classification (germline): Uncertain significance (1 of 4 stars; one submission).

gnomAD v4.1: 2 of 1,614,182 alleles (0.00012%); highest among the groups gnomAD compares: African/African-American, 0.0013%; no homozygotes.

Submission:

GeneDx
Classification: Uncertain significance. Last evaluated: 2025-05-23. Review status: criteria provided, single submitter. Criteria: GeneDx Variant Classification Process June 2021. Collection method: clinical testing. Allele origin: germline. Affected: yes.
Comment: In silico analysis supports that this missense variant has a deleterious effect on protein structure/function; Has not been previously published as pathogenic or benign to our knowledge

NM_004977.3(KCNC3):c.1258C>T (p.Arg420Cys)

Gene: KCNC3 (potassium voltage-gated channel subfamily C member 3; minus strand). Cytogenetic location: 19q13.33.
Variant type: single nucleotide variant.
Coding change: c.1258C>T on transcript NM_004977.3 (MANE Select); coding-DNA position 1258, C replaced by T.
Protein change: p.Arg420Cys; replaces arginine 420 with cysteine.
Molecular consequence: missense variant.
Genome position (GRCh38, 1-based): chr19:50,323,695, G>A on the plus strand (C>T on the coding strand, the complement: KCNC3 is on the minus strand). VCF-style: chr19-50323695-G-A. GRCh37 (hg19) VCF-style: chr19-50826952-G-A.
Other names: c.1030C>T, p.Arg344Cys (NM_001372305.1); short protein forms R420C, R344C.
Identifiers: ClinVar variation 4531063 (VCV004531063.1).
Genomic context (GRCh38, chr19:50,323,695, plus strand): 5'-TGTGTCCCAGCACGCGCAGCCCCACGAAGTGCCGGGTCAGCTTGAAGATGCGCAGGATGC[G>A]GACGAAGCGGACCACCCGCAGGAAGCCCAGCACGTCTTTGGCGGCCTTGGAGCTGAGGCC-3'
Protein context (NP_004968.2, residues 410-430): LGFLRVVRFV[Arg420Cys]ILRIFKLTRH